The following is an entry in ClinVar:

NM_002979.5(SCP2):c.124G>A (p.Ala42Thr)

Gene: SCP2 (sterol carrier protein 2; plus strand). Cytogenetic location: 1p32.3.
Variant type: single nucleotide variant.
Coding change: c.124G>A on transcript NM_002979.5 (MANE Select); coding-DNA position 124, G replaced by A.
Protein change: p.Ala42Thr; replaces alanine 42 with threonine.
Molecular consequence: missense variant. On other transcripts: intron variant (1).
Genome position (GRCh38, 1-based): chr1:52,941,850, G>A. VCF-style: chr1-52941850-G-A. GRCh37 (hg19) VCF-style: chr1-53407522-G-A.
Other names: c.124G>A, p.Ala42Thr (NM_001007098.3, NM_001193599.2, NM_001193600.2 and 1 more transcripts); c.-116-6159G>A (NM_001193617.2); short protein forms A42T.
Identifiers: ClinVar variation 1410936 (VCV001410936.8), dbSNP rs2150111293, ClinGen allele CA340385621.
Genomic context (GRCh38, chr1:52,941,850, plus strand): 5'-CTCTAGTTTGTGAAGCCTGGAGCTGAGAATTCAAGAGACTACCCTGACTTGGCAGAAGAA[G>A]CAGGTAACATAGAACATTTAGATCTTTGAACATTCATAGTTTATTATGTGGTCTGTCTTG-3'
Protein context (NP_002970.2, residues 32-52): SRDYPDLAEE[Ala42Thr]GKKALADAQI

ClinVar aggregate classification (germline): Uncertain significance (1 of 4 stars; one submission).

Submission:

Labcorp Genetics (formerly Invitae), Labcorp
Classification: Uncertain significance. Last evaluated: 2021-02-20. Review status: criteria provided, single submitter. Criteria: Invitae Variant Classification Sherloc (09022015). Collection method: clinical testing. Allele origin: germline.
Comment: This variant has not been reported in the literature in individuals with SCP2-related conditions. In summary, the available evidence is currently insufficient to determine the role of this variant in disease. Therefore, it has been classified as a Variant of Uncertain Significance. Algorithms developed to predict the effect of missense changes on protein structure and function are either unavailable or do not agree on the potential impact of this missense change (SIFT: "Deleterious"; PolyPhen-2: "Probably Damaging"; Align-GVGD: "Class C0"). This variant is not present in population databases (ExAC no frequency). This sequence change replaces alanine with threonine at codon 42 of the SCP2 protein (p.Ala42Thr). The alanine residue is highly conserved and there is a small physicochemical difference between alanine and threonine.